The following is an entry in ClinVar:

ClinVar aggregate classification (germline): Likely benign (1 of 4 stars; one submission).

Conditions:
Colorectal cancer, susceptibility to, 1. Also called: COLORECTAL ADENOMA AND CANCER, SUSCEPTIBILITY TO; COLORECTAL CANCER, SUSCEPTIBILITY TO, ON CHROMOSOME 9. Identifiers: MedGen C1837315, MONDO:0012132, OMIM 608812.

Submission:

Myriad Genetics, Inc.
Classification: Likely benign for Colorectal cancer, susceptibility to, 1. Last evaluated: 2026-04-21. Review status: criteria provided, single submitter. Criteria: Myriad Autosomal Dominant, Autosomal Recessive and X-Linked Classification Criteria (2023). Collection method: clinical testing. Allele origin: unknown.
Comment: This variant is considered likely benign. This variant is intronic and is not expected to impact mRNA splicing.

NM_024642.5(GALNT12):c.918-17A>T

Gene: GALNT12 (polypeptide N-acetylgalactosaminyltransferase 12; plus strand). Cytogenetic location: 9q22.33.
Variant type: single nucleotide variant.
Coding change: c.918-17A>T on transcript NM_024642.5 (MANE Select); 17 bases into the intron before coding-DNA position 918, A replaced by T.
Molecular consequence: intron variant.
Genome position (GRCh38, 1-based): chr9:98,835,232, A>T. VCF-style: chr9-98835232-A-T. GRCh37 (hg19) VCF-style: chr9-101597514-A-T.
Identifiers: ClinVar variation 4875789 (VCV004875789.1).